The following is an entry in ClinVar:

ClinVar aggregate classification (germline): Likely benign. Review status: criteria provided, multiple submitters, no conflicts (2 of 4 stars). 2 submissions from 2 submitters: Likely benign (2). Last evaluated 2025-12-29.

Conditions:
NGF-related disorder. Also called: NGF-related condition.
Congenital sensory neuropathy with selective loss of small myelinated fibers (HSAN5). Also called: HSAN Type V. Identifiers: Orphanet 64752, MedGen C0020075, MONDO:0012092, OMIM 608654.

Allele frequency attached by ClinVar (database versions not stated): TOPMed 0.00002; gnomAD 0.00003.
gnomAD v4.1: 64 of 1,613,246 alleles (0.004%); highest among the groups gnomAD compares: African/African-American, 0.008%; no homozygotes.

Submissions (2):

PreventionGenetics, part of Exact Sciences
Classification: Likely benign for NGF-related condition. Last evaluated: 2025-12-29. Review status: criteria provided, single submitter. Criteria: ACMG Guidelines, 2015. Collection method: clinical testing. Allele origin: germline.
Comment: This variant is classified as likely benign based on ACMG/AMP sequence variant interpretation guidelines (Richards et al. 2015 PMID: 25741868, with internal and published modifications).

Labcorp Genetics (formerly Invitae), Labcorp
Classification: Likely benign for Congenital sensory neuropathy with selective loss of small myelinated fibers. Last evaluated: 2024-09-23. Review status: criteria provided, single submitter. Criteria: Invitae Variant Classification Sherloc (09022015). Collection method: clinical testing. Allele origin: germline.

NM_002506.3(NGF):c.681G>A (p.Thr227=)

Genes: NGF (nerve growth factor; minus strand), NGF-AS1 (NGF antisense RNA 1; plus strand). Cytogenetic location: 1p13.2.
Variant type: single nucleotide variant.
Coding change: c.681G>A on transcript NM_002506.3 (MANE Select); coding-DNA position 681, G replaced by A.
Protein change: p.Thr227=; no amino-acid change (threonine 227 retained).
Molecular consequence: synonymous variant.
Genome position (GRCh38, 1-based): chr1:115,286,115, C>T on the plus strand (G>A on the coding strand, the complement: NGF is on the minus strand). VCF-style: chr1-115286115-C-T. GRCh37 (hg19) VCF-style: chr1-115828736-C-T.
Identifiers: ClinVar variation 2185144 (VCV002185144.5), dbSNP rs565497625, ClinGen allele CA1022934.
Genomic context (GRCh38, chr1:115,286,115, plus strand): 5'-GAGCGTGTCGGCAGGTCAGGCTCTTCTCACAGCCTTCCTGCTGAGCACACACACACAGGC[C>T]GTATCTATCCGGATAAACCGCCAGGCAGCCTGCTTGCCATCCATGGTCAGCGCCTTGACA-3'
Protein context (NP_002497.2, residues 217-237): QAAWRFIRID[Thr227=]ACVCVLSRKA